The following is an entry in ClinVar:

ClinVar aggregate classification (germline): Benign. Review status: criteria provided, multiple submitters, no conflicts (2 of 4 stars). 10 submissions from 10 submitters: Benign (8). 2 of the submissions do not count toward it. Last evaluated 2026-02-04.

Conditions:
Glycogen storage disease type III (GSD3). Also called: FORBES DISEASE; Cori disease. Identifiers: Orphanet 366, MedGen C0017922, MONDO:0009291, OMIM 232400.

Allele frequency attached by ClinVar (database versions not stated): ESP Exome Variant Server 0.04213; gnomAD 0.04277 and 0.04398; 1000 Genomes Project 0.04832; TOPMed 0.05111; 1000 Genomes Project 30x 0.05356; gnomAD exomes 0.02218 and 0.03385; ExAC 0.03256.
gnomAD v4.1: 38,999 of 1,613,906 alleles (2.4%); highest among the groups gnomAD compares: African/African-American, 9.6%; 969 homozygotes.

Submissions (10):

Labcorp Genetics (formerly Invitae), Labcorp
Classification: Benign for Glycogen storage disease type III. Last evaluated: 2026-02-04. Review status: criteria provided, single submitter. Criteria: Invitae Variant Classification Sherloc (09022015). Collection method: clinical testing. Allele origin: germline.

Blueprint Genetics
Classification: Benign. Last evaluated: 2024-11-26. Review status: criteria provided, single submitter. Criteria: ACMG Guidelines, 2015. Collection method: clinical testing. Allele origin: germline.

Genome-Nilou Lab
Classification: Benign for Glycogen storage disease type III. Last evaluated: 2021-07-15. Review status: criteria provided, single submitter. Criteria: ACMG Guidelines, 2015. Collection method: clinical testing. Allele origin: germline. Affected: no.

Illumina Laboratory Services, Illumina
Classification: Benign for Glycogen storage disease type III. Last evaluated: 2018-01-13. Review status: criteria provided, single submitter. Criteria: ICSL Variant Classification Criteria 13 December 2019. Collection method: clinical testing. Allele origin: germline.
Comment: This variant was observed in the ICSL laboratory as part of a predisposition screen in an ostensibly healthy population. It had not been previously curated by ICSL or reported in the Human Gene Mutation Database (HGMD: prior to June 1st, 2018), and was therefore a candidate for classification through an automated scoring system. Utilizing variant allele frequency, disease prevalence and penetrance estimates, and inheritance mode, an automated score was calculated to assess if this variant is too frequent to cause the disease. Based on the score and internal cut-off values, a variant classified as benign is not then subjected to further curation. The score for this variant resulted in a classification of benign for this disease.

Phosphorus, Inc.
Classification: Benign for Glycogen storage disease type III. Last evaluated: 2017-08-01. Review status: criteria provided, single submitter. Criteria: ACMG Guidelines, 2015. Collection method: clinical testing. Allele origin: germline. Observed: 2 variant alleles.

GeneDx
Classification: Benign. Last evaluated: 2015-12-10. Review status: criteria provided, single submitter. Criteria: GeneDx Variant Classification (06012015). Collection method: clinical testing. Allele origin: germline. Affected: yes.
Comment: This variant is considered likely benign or benign based on one or more of the following criteria: it is a conservative change, it occurs at a poorly conserved position in the protein, it is predicted to be benign by multiple in silico algorithms, and/or has population frequency not consistent with disease.

Breakthrough Genomics
Classification: Benign. Review status: criteria provided, single submitter. Criteria: ACMG Guidelines, 2015. Collection method: not provided. Allele origin: germline. Inheritance: Autosomal recessive inheritance. Affected: yes.

PreventionGenetics, part of Exact Sciences
Classification: Benign. Review status: criteria provided, single submitter. Criteria: ACMG Guidelines, 2015. Collection method: clinical testing. Allele origin: germline.

Natera, Inc.
Classification: Benign for Glycogen storage disease type III. Last evaluated: 2020-09-16. Review status: no assertion criteria provided. Collection method: clinical testing. Allele origin: germline. Not counted in ClinVar's aggregate classification.

Mayo Clinic Laboratories, Mayo Clinic
Classification: Benign. Last evaluated: 2015-12-15. Review status: no assertion criteria provided. Collection method: clinical testing. Allele origin: unknown. Not counted in ClinVar's aggregate classification.

NM_000642.3(AGL):c.686A>G (p.Gln229Arg)

Gene: AGL (amylo-alpha-1,6-glucosidase and 4-alpha-glucanotransferase; plus strand). Cytogenetic location: 1p21.2.
Variant type: single nucleotide variant.
Coding change: c.686A>G on transcript NM_000642.3 (MANE Select); coding-DNA position 686, A replaced by G.
Protein change: p.Gln229Arg; replaces glutamine 229 with arginine.
Molecular consequence: missense variant.
Genome position (GRCh38, 1-based): chr1:99,870,421, A>G. VCF-style: chr1-99870421-A-G. GRCh37 (hg19) VCF-style: chr1-100335977-A-G.
Other names: c.686A>G, p.Gln229Arg (NM_000028.3, NM_000643.3, NM_000644.3 and 3 more transcripts); c.638A>G, p.Gln213Arg (NM_000646.3); c.482A>G, p.Gln161Arg (NM_001425328.1, NM_001425329.1); c.308A>G, p.Gln103Arg (NM_001425332.1); short protein forms Q229R, Q213R, Q103R, Q161R.
Identifiers: ClinVar variation 256749 (VCV000256749.25), dbSNP rs17121403, ClinGen allele CA966250.